The following is an entry in ClinVar:

ClinVar aggregate classification (germline): Likely pathogenic (0 of 4 stars; one submission).

Conditions:
Corticosteroid-binding globulin deficiency. Also called: CBG DEFICIENCY; TRANSCORTIN DEFICIENCY. Identifiers: Orphanet 199247, MedGen C1852529, MONDO:0012675, OMIM 611489.

Submission:

Bioinformatics Unit, Institut Pasteur de Montevideo
Classification: Likely pathogenic for Corticosteroid-binding globulin deficiency. Last evaluated: 2021-05-11. Review status: no assertion criteria provided. Collection method: clinical testing. Allele origin: maternal, germline. Inheritance: Autosomal dominant inheritance. Affected: yes. Observed: 2 variant alleles, 2 heterozygotes.
Comment: Frameshift deletion, LOF variant, in heterozygous state found in two affected individuals. Variant population frequency is low (less than 0.0002 in ExAC AMR data base).

NM_001756.4(SERPINA6):c.164_165del (p.Val55fs)

Gene: SERPINA6 (serpin family A member 6; minus strand). Cytogenetic location: 14q32.13.
Variant type: Deletion.
Coding change: c.164_165del on transcript NM_001756.4 (MANE Select); coding-DNA positions 164 to 165, 2 bases deleted (TG; older notation c.164_165delTG).
Protein change: p.Val55fs; shifts the reading frame from valine 55.
Molecular consequence: frameshift variant.
Genome position (GRCh38, 1-based): chr14:94,314,484-94,314,485, CA deleted on the plus strand (TG on the coding strand, the reverse complement: SERPINA6 is on the minus strand); deleting any 2 consecutive bases within chr14:94,314,484-94,314,486 gives the same sequence; the c. name uses the placement nearest the transcript's 3' end. VCF-style (leftmost placement, unchanged base first): chr14-94314483-CCA-C. GRCh37 (hg19) VCF-style: chr14-94780820-CCA-C.
Other names: short protein forms V55fs.
Identifiers: ClinVar variation 1077111 (VCV001077111.2), dbSNP rs771441863, ClinGen allele CA7327190.